The following is an entry in ClinVar:

NM_001367823.1(ARHGEF18):c.1804C>T (p.Arg602Cys)

Gene: ARHGEF18 (Rho/Rac guanine nucleotide exchange factor 18; plus strand). Cytogenetic location: 19p13.2.
Variant type: single nucleotide variant.
Coding change: c.1804C>T on transcript NM_001367823.1 (MANE Select); coding-DNA position 1804, C replaced by T.
Protein change: p.Arg602Cys; replaces arginine 602 with cysteine.
Molecular consequence: missense variant.
Genome position (GRCh38, 1-based): chr19:7,451,215, C>T. VCF-style: chr19-7451215-C-T. GRCh37 (hg19) VCF-style: chr19-7516101-C-T.
Other names: c.1078C>T, p.Arg360Cys (NM_001130955.2); c.766C>T, p.Arg256Cys (NM_001367824.1, NM_015318.4); c.1240C>T (NM_001130955.1); short protein forms R602C, R256C, R360C.
Identifiers: ClinVar variation 1921168 (VCV001921168.6), dbSNP rs746255341, ClinGen allele CA9136619.

ClinVar aggregate classification (germline): Uncertain significance. Review status: criteria provided, multiple submitters, no conflicts (2 of 4 stars). 2 submissions from 2 submitters: Uncertain significance (2). Last evaluated 2025-05-05.

Conditions:
Inborn genetic diseases. Identifiers: MedGen C0950123, MeSH D030342.

Allele frequency attached by ClinVar (database versions not stated): ExAC 0.00001; gnomAD exomes 0.00001; gnomAD 0.00002; TOPMed 0.00003.
gnomAD v4.1: 11 of 1,601,214 alleles (0.00069%); highest among the groups gnomAD compares: Admixed American, 0.0034%; no homozygotes.

Submissions (2):

Ambry Genetics
Classification: Uncertain significance for Inborn genetic diseases. Last evaluated: 2025-05-05. Review status: criteria provided, single submitter. Criteria: Ambry Variant Classification Scheme 2023. Collection method: clinical testing. Allele origin: germline.

Labcorp Genetics (formerly Invitae), Labcorp
Classification: Uncertain significance. Last evaluated: 2022-06-23. Review status: criteria provided, single submitter. Criteria: Invitae Variant Classification Sherloc (09022015). Collection method: clinical testing. Allele origin: germline.
Comment: In summary, the available evidence is currently insufficient to determine the role of this variant in disease. Therefore, it has been classified as a Variant of Uncertain Significance. Algorithms developed to predict the effect of missense changes on protein structure and function are either unavailable or do not agree on the potential impact of this missense change (SIFT: "Deleterious"; PolyPhen-2: "Probably Damaging"; Align-GVGD: "Class C0"). This variant has not been reported in the literature in individuals affected with ARHGEF18-related conditions. This variant is present in population databases (rs746255341, gnomAD 0.0009%). This sequence change replaces arginine, which is basic and polar, with cysteine, which is neutral and slightly polar, at codon 414 of the ARHGEF18 protein (p.Arg414Cys).